The following is an entry in ClinVar:

ClinVar aggregate classification (germline): Uncertain significance (1 of 4 stars; one submission).

Conditions:
Inborn genetic diseases. Identifiers: MedGen C0950123, MeSH D030342.

Submission:

Ambry Genetics
Classification: Uncertain significance for Inborn genetic diseases. Last evaluated: 2025-07-28. Review status: criteria provided, single submitter. Criteria: Ambry Variant Classification Scheme 2023. Collection method: clinical testing. Allele origin: germline.
Comment: The p.D1544N variant (also known as c.4630G>A), located in coding exon 18 of the FANCM gene, results from a G to A substitution at nucleotide position 4630. The aspartic acid at codon 1544 is replaced by asparagine, an amino acid with highly similar properties. This amino acid position is conserved. In addition, this alteration is predicted to be tolerated by in silico analysis. Based on the available evidence, the clinical significance of this variant remains unclear.

NM_020937.4(FANCM):c.4630G>A (p.Asp1544Asn)

Gene: FANCM (FA complementation group M; plus strand). Cytogenetic location: 14q21.2.
Variant type: single nucleotide variant.
Coding change: c.4630G>A on transcript NM_020937.4 (MANE Select); coding-DNA position 4630, G replaced by A.
Protein change: p.Asp1544Asn; replaces aspartic acid 1544 with asparagine.
Molecular consequence: missense variant.
Genome position (GRCh38, 1-based): chr14:45,185,331, G>A. VCF-style: chr14-45185331-G-A. GRCh37 (hg19) VCF-style: chr14-45654534-G-A.
Other names: c.4552G>A, p.Asp1518Asn (NM_001308133.2); short protein forms D1518N, D1544N.
Identifiers: ClinVar variation 4254621 (VCV004254621.1).
Genomic context (GRCh38, chr14:45,185,331, plus strand): 5'-GAATATGTTTCATCAGATGAAAATGATGAGTCAGAAAATGAACAAGATTCCTCATTACTT[G>A]ACTTTTTAAATGATGAAACTCAACTTTCACAGGCTATAAATGGTAAATGTTATAATGATC-3'
Protein context (NP_065988.1, residues 1534-1554): SENEQDSSLL[Asp1544Asn]FLNDETQLSQ